The following is an entry in ClinVar:

NM_000540.3(RYR1):c.9295G>T (p.Ala3099Ser)

Gene: RYR1 (ryanodine receptor 1; plus strand). Cytogenetic location: 19q13.2.
Variant type: single nucleotide variant.
Coding change: c.9295G>T on transcript NM_000540.3 (MANE Select); coding-DNA position 9295, G replaced by T.
Protein change: p.Ala3099Ser; replaces alanine 3099 with serine.
Molecular consequence: missense variant.
Genome position (GRCh38, 1-based): chr19:38,512,306, G>T. VCF-style: chr19-38512306-G-T. GRCh37 (hg19) VCF-style: chr19-39002946-G-T.
Other names: c.9295G>T, p.Ala3099Ser (NM_001042723.2); short protein forms A3099S.
Identifiers: ClinVar variation 3385500 (VCV003385500.1).

ClinVar aggregate classification (germline): Uncertain significance (1 of 4 stars; one submission).

Conditions:
Malignant hyperthermia, susceptibility to, 1 (MHS1). Also called: Anesthesia related hyperthermia; Malignant hyperpyrexia; Fulminating hyperpyrexia; Pharmacogenic myopathy; Malignant hyperthermia suceptibility 1; RYR1-Related Malignant Hyperthermia Susceptibility. Identifiers: Orphanet 423, MedGen C2930980, MONDO:0007783, OMIM 145600.

gnomAD v4.1: 1 of 1,614,224 alleles (0.000062%); highest among the groups gnomAD compares: Middle Eastern, 0.016%; no homozygotes.

Submission:

All of Us Research Program, National Institutes of Health
Classification: Uncertain significance for Malignant hyperthermia, susceptibility to, 1. Last evaluated: 2024-03-05. Review status: criteria provided, single submitter. Criteria: ACMG Guidelines, 2015. Collection method: clinical testing. Allele origin: germline. Inheritance: Autosomal dominant inheritance. Observed: 1 variant allele, 1 heterozygote.
Comment: This study involves interpretation of variants in research participants for the purpose of population health screening. Participant phenotype was not available at the time of variant classification. Additional details can be found in publication PMID: 35346344, PMCID: PMC8962531